The following is an entry in ClinVar:

NM_001130438.3(SPTAN1):c.2395T>C (p.Trp799Arg)

Gene: SPTAN1 (spectrin alpha, non-erythrocytic 1; plus strand). Cytogenetic location: 9q34.11.
Variant type: single nucleotide variant.
Coding change: c.2395T>C on transcript NM_001130438.3 (MANE Select); coding-DNA position 2395, T replaced by C.
Protein change: p.Trp799Arg; replaces tryptophan 799 with arginine.
Molecular consequence: missense variant.
Genome position (GRCh38, 1-based): chr9:128,584,483, T>C. VCF-style: chr9-128584483-T-C. GRCh37 (hg19) VCF-style: chr9-131346762-T-C.
Other names: c.2395T>C, p.Trp799Arg (NM_001195532.2, NM_001363759.2, NM_001363765.2 and 5 more transcripts); c.2431T>C, p.Trp811Arg (NM_001375312.2, NM_001375318.1); c.2395T>C (NM_001130438.2); short protein forms W799R, W811R.
Identifiers: ClinVar variation 1353347 (VCV001353347.8), dbSNP rs1852325939, ClinGen allele CA375057643.

ClinVar aggregate classification (germline): Uncertain significance. Review status: criteria provided, multiple submitters, no conflicts (2 of 4 stars). 2 submissions from 2 submitters: Uncertain significance (2). Last evaluated 2026-06-15.

Conditions:
Early-infantile DEE. Also called: Early infantile epileptic encephalopathy with suppression bursts; Early infantile epileptic encephalopathy; Ohtahara syndrome. Identifiers: Orphanet 1934, MedGen C0393706, MONDO:0800491.
Inborn genetic diseases. Identifiers: MedGen C0950123, MeSH D030342.

Allele frequency attached by ClinVar (database versions not stated): TOPMed below 0.00001; gnomAD 0.00001.
gnomAD v4.1: 1 of 1,613,998 alleles (0.000062%); highest among the groups gnomAD compares: Non-Finnish European, 0.000085%; no homozygotes.

Submissions (2):

Ambry Genetics
Classification: Uncertain significance for Inborn genetic diseases. Last evaluated: 2026-06-15. Review status: criteria provided, single submitter. Criteria: Ambry Variant Classification Scheme 2023. Collection method: clinical testing. Allele origin: germline.

Labcorp Genetics (formerly Invitae), Labcorp
Classification: Uncertain significance for Early-infantile DEE. Last evaluated: 2024-10-10. Review status: criteria provided, single submitter. Criteria: Invitae Variant Classification Sherloc (09022015). Collection method: clinical testing. Allele origin: germline.
Comment: This sequence change replaces tryptophan, which is neutral and slightly polar, with arginine, which is basic and polar, at codon 799 of the SPTAN1 protein (p.Trp799Arg). This variant is not present in population databases (gnomAD no frequency). This variant has not been reported in the literature in individuals affected with SPTAN1-related conditions. ClinVar contains an entry for this variant (Variation ID: 1353347). Invitae Evidence Modeling of protein sequence and biophysical properties (such as structural, functional, and spatial information, amino acid conservation, physicochemical variation, residue mobility, and thermodynamic stability) has been performed for this missense variant. However, the output from this modeling did not meet the statistical confidence thresholds required to predict the impact of this variant on SPTAN1 protein function. In summary, the available evidence is currently insufficient to determine the role of this variant in disease. Therefore, it has been classified as a Variant of Uncertain Significance.